The following is an entry in ClinVar:

ClinVar aggregate classification (germline): Uncertain significance. Review status: criteria provided, multiple submitters, no conflicts (2 of 4 stars). 3 submissions from 3 submitters: Uncertain significance (3). Last evaluated 2024-12-14.

Conditions:
Hereditary cancer-predisposing syndrome. Also called: Hereditary neoplastic syndrome; Neoplastic Syndromes, Hereditary; Tumor predisposition; Hereditary Cancer Syndrome. Identifiers: Orphanet 140162, MedGen C0027672, MeSH D009386, MONDO:0015356.
Fanconi anemia complementation group J. Also called: BRIP1-Related Fanconi Anemia. Identifiers: Orphanet 84, MedGen C1836860, MONDO:0012187, OMIM 609054.
Familial cancer of breast. Also called: BREAST CANCER, FAMILIAL; hereditary breast carcinoma; Hereditary breast cancer. Identifiers: Orphanet 227535, MedGen C0346153, MONDO:0016419, OMIM 114480. Disease mechanism: loss of function.

Submissions (3):

Ambry Genetics
Classification: Uncertain significance for Hereditary cancer-predisposing syndrome. Last evaluated: 2024-12-14. Review status: criteria provided, single submitter. Criteria: Ambry Variant Classification Scheme 2023. Collection method: clinical testing. Allele origin: germline.
Comment: The p.K500E variant (also known as c.1498A>G), located in coding exon 10 of the BRIP1 gene, results from an A to G substitution at nucleotide position 1498. The lysine at codon 500 is replaced by glutamic acid, an amino acid with similar properties. This amino acid position is conserved. In addition, the in silico prediction for this alteration is inconclusive. Since supporting evidence is limited at this time, the clinical significance of this alteration remains unclear.

Labcorp Genetics (formerly Invitae), Labcorp
Classification: Uncertain significance for Familial cancer of breast; Fanconi anemia complementation group J. Last evaluated: 2024-05-14. Review status: criteria provided, single submitter. Criteria: Invitae Variant Classification Sherloc (09022015). Collection method: clinical testing. Allele origin: germline.
Comment: This sequence change replaces lysine, which is basic and polar, with glutamic acid, which is acidic and polar, at codon 500 of the BRIP1 protein (p.Lys500Glu). This variant is not present in population databases (gnomAD no frequency). This variant has not been reported in the literature in individuals affected with BRIP1-related conditions. ClinVar contains an entry for this variant (Variation ID: 1026872). Advanced modeling of protein sequence and biophysical properties (such as structural, functional, and spatial information, amino acid conservation, physicochemical variation, residue mobility, and thermodynamic stability) performed at Invitae indicates that this missense variant is not expected to disrupt BRIP1 protein function with a negative predictive value of 80%. In summary, the available evidence is currently insufficient to determine the role of this variant in disease. Therefore, it has been classified as a Variant of Uncertain Significance.

Color Diagnostics, LLC DBA Color Health
Classification: Uncertain significance for Hereditary cancer-predisposing syndrome. Last evaluated: 2024-03-07. Review status: criteria provided, single submitter. Criteria: ACMG Guidelines, 2015. Collection method: clinical testing. Allele origin: germline.
Comment: This missense variant replaces lysine with glutamic acid at codon 500 of the BRIP1 protein. Computational prediction suggests that this variant may not impact protein structure and function (internally defined REVEL score threshold <= 0.5, PMID: 27666373). To our knowledge, functional studies have not been reported for this variant. This variant has not been reported in individuals affected with hereditary cancer in the literature. This variant has not been identified in the general population by the Genome Aggregation Database (gnomAD). The available evidence is insufficient to determine the role of this variant in disease conclusively. Therefore, this variant is classified as a Variant of Uncertain Significance.

NM_032043.3(BRIP1):c.1498A>G (p.Lys500Glu)

Gene: BRIP1 (BRCA1 interacting DNA helicase 1; minus strand). Cytogenetic location: 17q23.2.
Variant type: single nucleotide variant.
Coding change: c.1498A>G on transcript NM_032043.3 (MANE Select); coding-DNA position 1498, A replaced by G.
Protein change: p.Lys500Glu; replaces lysine 500 with glutamic acid.
Molecular consequence: missense variant.
Genome position (GRCh38, 1-based): chr17:61,784,400, T>C on the plus strand (A>G on the coding strand, the complement: BRIP1 is on the minus strand). VCF-style: chr17-61784400-T-C. GRCh37 (hg19) VCF-style: chr17-59861761-T-C.
Other names: short protein forms K500E.
Identifiers: ClinVar variation 1026872 (VCV001026872.15), dbSNP rs2077672083, ClinGen allele CA400481424.